The following is an entry in ClinVar:

ClinVar aggregate classification (germline): Likely benign. Review status: criteria provided, multiple submitters, no conflicts (2 of 4 stars). 2 submissions from 2 submitters: Likely benign (2). Last evaluated 2019-07-11.

Conditions:
Inborn genetic diseases. Identifiers: MedGen C0950123, MeSH D030342.

Submissions (2):

Ambry Genetics
Classification: Likely benign for Inborn genetic diseases. Last evaluated: 2019-07-11. Review status: criteria provided, single submitter. Criteria: Ambry Variant Classification Scheme 2023. Collection method: clinical testing. Allele origin: germline.

GeneDx
Classification: Likely benign. Last evaluated: 2018-02-08. Review status: criteria provided, single submitter. Criteria: GeneDx Variant Classification (06012015). Collection method: clinical testing. Allele origin: germline. Affected: yes.
Comment: This variant is considered likely benign or benign based on one or more of the following criteria: it is a conservative change, it occurs at a poorly conserved position in the protein, it is predicted to be benign by multiple in silico algorithms, and/or has population frequency not consistent with disease.

NM_001005361.3(DNM2):c.2256C>G (p.Val752=)

Gene: DNM2 (dynamin 2; plus strand). Cytogenetic location: 19p13.2.
Variant type: single nucleotide variant.
Coding change: c.2256C>G on transcript NM_001005361.3 (MANE Select); coding-DNA position 2256, C replaced by G.
Protein change: p.Val752=; no amino-acid change (valine 752 retained).
Molecular consequence: synonymous variant.
Genome position (GRCh38, 1-based): chr19:10,829,233, C>G. VCF-style: chr19-10829233-C-G. GRCh37 (hg19) VCF-style: chr19-10939909-C-G.
Other names: c.2256C>G, p.Val752= (NM_001005360.3, NM_001190716.2); c.2244C>G, p.Val748= (NM_001005362.3, NM_004945.4).
Identifiers: ClinVar variation 515226 (VCV000515226.3), dbSNP rs751020224, ClinGen allele CA505494474.
Genomic context (GRCh38, chr19:10,829,233, plus strand): 5'-GCTCAACATCATCGGTGACATCAGCACCAGCACTGTGTCCACGCCTGTACCCCCGCCTGT[C>G]GATGACACCTGGCTCCAGAGCGCCAGCAGCCACAGGTCCGGAAGCCTGGTTCCCCTACCC-3'
Protein context (NP_001005361.1, residues 742-762): STVSTPVPPP[Val752=]DDTWLQSASS